The following is an entry in ClinVar:

ClinVar aggregate classification (germline): Uncertain significance. Review status: criteria provided, multiple submitters, no conflicts (2 of 4 stars). 2 submissions from 2 submitters: Uncertain significance (2). Last evaluated 2025-08-09.

Allele frequency attached by ClinVar (database versions not stated): TOPMed 0.00005; gnomAD exomes 0.00004; ExAC 0.00005.

Submissions (2):

Ambry Genetics
Classification: Uncertain significance. Last evaluated: 2025-08-09. Review status: criteria provided, single submitter. Criteria: Ambry Variant Classification Scheme 2023. Collection method: clinical testing. Allele origin: germline.

Labcorp Genetics (formerly Invitae), Labcorp
Classification: Uncertain significance. Last evaluated: 2022-06-20. Review status: criteria provided, single submitter. Criteria: Invitae Variant Classification Sherloc (09022015). Collection method: clinical testing. Allele origin: germline.
Comment: In summary, the available evidence is currently insufficient to determine the role of this variant in disease. Therefore, it has been classified as a Variant of Uncertain Significance. Algorithms developed to predict the effect of missense changes on protein structure and function (SIFT, PolyPhen-2, Align-GVGD) all suggest that this variant is likely to be disruptive. This variant has not been reported in the literature in individuals affected with FAT2-related conditions. This variant is present in population databases (rs757980366, gnomAD 0.02%). This sequence change replaces valine, which is neutral and non-polar, with isoleucine, which is neutral and non-polar, at codon 1020 of the FAT2 protein (p.Val1020Ile).

NM_001447.3(FAT2):c.3058G>A (p.Val1020Ile)

Gene: FAT2 (FAT atypical cadherin 2; minus strand). Cytogenetic location: 5q33.1.
Variant type: single nucleotide variant.
Coding change: c.3058G>A on transcript NM_001447.3 (MANE Select); coding-DNA position 3058, G replaced by A.
Protein change: p.Val1020Ile; replaces valine 1020 with isoleucine.
Molecular consequence: missense variant.
Genome position (GRCh38, 1-based): chr5:151,565,874, C>T on the plus strand (G>A on the coding strand, the complement: FAT2 is on the minus strand). VCF-style: chr5-151565874-C-T. GRCh37 (hg19) VCF-style: chr5-150945435-C-T.
Other names: c.3058G>A (NM_001447.2); short protein forms V1020I.
Identifiers: ClinVar variation 2414948 (VCV002414948.7), dbSNP rs757980366, ClinGen allele CA3521929.